The following is an entry in ClinVar:

NM_006254.4(PRKCD):c.1831C>A (p.Leu611Met)

Gene: PRKCD (protein kinase C delta; plus strand). Cytogenetic location: 3p21.1.
Variant type: single nucleotide variant.
Coding change: c.1831C>A on transcript NM_006254.4 (MANE Select); coding-DNA position 1831, C replaced by A.
Protein change: p.Leu611Met; replaces leucine 611 with methionine.
Molecular consequence: missense variant.
Genome position (GRCh38, 1-based): chr3:53,189,960, C>A. VCF-style: chr3-53189960-C-A. GRCh37 (hg19) VCF-style: chr3-53223976-C-A.
Other names: c.1831C>A, p.Leu611Met (NM_001316327.2, NM_001354679.2, NM_001354680.2 and 1 more transcripts); c.1888C>A, p.Leu630Met (NM_001354676.2); c.1879C>A, p.Leu627Met (NM_001354678.2); c.1831C>A (NM_006254.3); short protein forms L630M, L611M, L627M.
Identifiers: ClinVar variation 1982808 (VCV001982808.2), dbSNP rs1553670482, ClinGen allele CA353224426.
Genomic context (GRCh38, chr3:53,189,960, plus strand): 5'-CTGGGAGTGACCGGAAACATCAAAATCCACCCCTTCTTCAAGACCATAAACTGGACTCTG[C>A]TGGAAAAGCGGAGGTTGGAGCCACCTTTCAGGCCCAAAGTGGTATGTGATCCTGCCCTGT-3'
Protein context (NP_006245.2, residues 601-621): PFFKTINWTL[Leu611Met]EKRRLEPPFR

ClinVar aggregate classification (germline): Uncertain significance. Review status: criteria provided, multiple submitters, no conflicts (2 of 4 stars). 2 submissions from 2 submitters: Uncertain significance (2). Last evaluated 2025-08-04.

Conditions:
Inborn genetic diseases. Identifiers: MedGen C0950123, MeSH D030342.
Autoimmune lymphoproliferative syndrome, type III caused by mutation in PRKCD. Identifiers: Orphanet 3261, Orphanet 664711, MedGen C3809928, MONDO:8000024, OMIM 615559.

Allele frequency attached by ClinVar (database versions not stated): TOPMed below 0.00001; gnomAD exomes 0.00001.

Submissions (2):

Ambry Genetics
Classification: Uncertain significance for Inborn genetic diseases. Last evaluated: 2025-08-04. Review status: criteria provided, single submitter. Criteria: Ambry Variant Classification Scheme 2023. Collection method: clinical testing. Allele origin: germline.

Labcorp Genetics (formerly Invitae), Labcorp
Classification: Uncertain significance for Autoimmune lymphoproliferative syndrome, type III caused by mutation in PRKCD. Last evaluated: 2022-03-27. Review status: criteria provided, single submitter. Criteria: Invitae Variant Classification Sherloc (09022015). Collection method: clinical testing. Allele origin: germline.
Comment: This sequence change replaces leucine, which is neutral and non-polar, with methionine, which is neutral and non-polar, at codon 611 of the PRKCD protein (p.Leu611Met). This variant is present in population databases (no rsID available, gnomAD 0.003%). This variant has not been reported in the literature in individuals affected with PRKCD-related conditions. Algorithms developed to predict the effect of missense changes on protein structure and function are either unavailable or do not agree on the potential impact of this missense change (SIFT: "Deleterious"; PolyPhen-2: "Probably Damaging"; Align-GVGD: "Class C0"). In summary, the available evidence is currently insufficient to determine the role of this variant in disease. Therefore, it has been classified as a Variant of Uncertain Significance.